The following is an entry in ClinVar:

NM_000618.5(IGF1):c.431_434del (p.Gly144fs)

Genes: IGF1 (insulin like growth factor 1; minus strand), LINC02456 (long intergenic non-protein coding RNA 2456; plus strand). Cytogenetic location: 12q23.2.
Variant type: Deletion.
Coding change: c.431_434del on transcript NM_000618.5 (MANE Select); coding-DNA positions 431 to 434, 4 bases deleted (GGAG; older notation c.431_434delGGAG).
Protein change: p.Gly144fs; shifts the reading frame from glycine 144.
Molecular consequence: frameshift variant. On other transcripts: no sequence alteration (1).
Genome position (GRCh38, 1-based): chr12:102,402,535-102,402,538, CTCC deleted on the plus strand (GGAG on the coding strand, the reverse complement: IGF1 is on the minus strand); deleting any 4 consecutive bases within chr12:102,402,535-102,402,541 gives the same sequence; the c. name uses the placement nearest the transcript's 3' end. VCF-style (leftmost placement, unchanged base first): chr12-102402534-ACTCC-A. GRCh37 (hg19) VCF-style: chr12-102796312-ACTCC-A.
Other names: c.*3_*6del, p.Ter159= (NM_001111283.3); c.383_386del, p.Gly128fs (NM_001111284.2); short protein forms G144fs, G128fs.
Identifiers: ClinVar variation 1477880 (VCV001477880.6), dbSNP rs2136940339, ClinGen allele CA2573147976.

ClinVar aggregate classification (germline): Uncertain significance (1 of 4 stars; one submission).

Submission:

Labcorp Genetics (formerly Invitae), Labcorp
Classification: Uncertain significance. Last evaluated: 2022-06-13. Review status: criteria provided, single submitter. Criteria: Invitae Variant Classification Sherloc (09022015). Collection method: clinical testing. Allele origin: germline.
Comment: In summary, the available evidence is currently insufficient to determine the role of this variant in disease. Therefore, it has been classified as a Variant of Uncertain Significance. Experimental studies and prediction algorithms are not available or were not evaluated, and the functional significance of this variant is currently unknown. This variant has not been reported in the literature in individuals affected with IGF1-related conditions. This variant is not present in population databases (gnomAD no frequency). This sequence change results in a frameshift in the IGF1 gene (p.Gly144Valfs*19). While this is not anticipated to result in nonsense mediated decay, it is expected to disrupt the last 10 amino acid(s) of the IGF1 protein and extend the protein by 8 additional amino acid residues.